The following is an entry in ClinVar:

ClinVar aggregate classification (germline): Uncertain significance (1 of 4 stars; one submission).

Conditions:
Charcot-Marie-Tooth disease type 2R. Also called: CHARCOT-MARIE-TOOTH DISEASE, AXONAL, AUTOSOMAL RECESSIVE, TYPE 2R; CHARCOT-MARIE-TOOTH NEUROPATHY, TYPE 2R; Charcot-Marie-Tooth disease, axonal, type 2R. Identifiers: Orphanet 397968, MedGen C3809655, MONDO:0014208, OMIM 615490.

Submission:

Labcorp Genetics (formerly Invitae), Labcorp
Classification: Uncertain significance for Charcot-Marie-Tooth disease type 2R. Last evaluated: 2024-02-29. Review status: criteria provided, single submitter. Criteria: Invitae Variant Classification Sherloc (09022015). Collection method: clinical testing. Allele origin: germline.
Comment: This sequence change replaces threonine, which is neutral and polar, with serine, which is neutral and polar, at codon 402 of the TRIM2 protein (p.Thr402Ser). This variant is not present in population databases (gnomAD no frequency). This variant has not been reported in the literature in individuals affected with TRIM2-related conditions. An algorithm developed to predict the effect of missense changes on protein structure and function (PolyPhen-2) suggests that this variant is likely to be tolerated. In summary, the available evidence is currently insufficient to determine the role of this variant in disease. Therefore, it has been classified as a Variant of Uncertain Significance.

NM_015271.5(TRIM2):c.1286C>G (p.Thr429Ser)

Gene: TRIM2 (tripartite motif containing 2; plus strand). Cytogenetic location: 4q31.3.
Variant type: single nucleotide variant.
Coding change: c.1286C>G on transcript NM_015271.5 (MANE Select); coding-DNA position 1286, C replaced by G.
Protein change: p.Thr429Ser; replaces threonine 429 with serine.
Molecular consequence: missense variant.
Genome position (GRCh38, 1-based): chr4:153,295,812, C>G. VCF-style: chr4-153295812-C-G. GRCh37 (hg19) VCF-style: chr4-154216964-C-G.
Other names: c.1205C>G, p.Thr402Ser (NM_001351056.2, NM_001375512.1, NM_001375513.1 and 5 more transcripts); c.830C>G, p.Thr277Ser (NM_001351057.2); c.1379C>G, p.Thr460Ser (NM_001375488.1); c.1376C>G, p.Thr459Ser (NM_001375489.1); c.1229C>G, p.Thr410Ser (NM_001375490.1); c.1226C>G, p.Thr409Ser (NM_001375491.1); c.953C>G, p.Thr318Ser (NM_001375519.1); c.950C>G, p.Thr317Ser (NM_001375520.1); and 3 more; short protein forms T410S, T429S, T277S, T316S, T317S, T318S, T420S, T402S.
Identifiers: ClinVar variation 3643676 (VCV003643676.2).